The following is an entry in ClinVar:

ClinVar aggregate classification (germline): Uncertain significance. Review status: criteria provided, multiple submitters, no conflicts (2 of 4 stars). 4 submissions from 4 submitters: Uncertain significance (4). Last evaluated 2026-08-29.

Conditions:
Inborn genetic diseases. Identifiers: MedGen C0950123, MeSH D030342.
Hermansky-Pudlak syndrome 5 (HPS5). Identifiers: Orphanet 231512, Orphanet 79430, MedGen C3888004, MONDO:0013557, OMIM 614074.
HPS5-related disorder. Also called: HPS5-related condition.

Allele frequency attached by ClinVar (database versions not stated): ESP Exome Variant Server 0.00008.
gnomAD v4.1: 81 of 1,614,010 alleles (0.005%); highest among the groups gnomAD compares: Non-Finnish European, 0.0026%; no homozygotes.

Submissions (4):

PreventionGenetics, part of Exact Sciences
Classification: Uncertain significance for HPS5-related condition. Last evaluated: 2026-08-29. Review status: criteria provided, single submitter. Criteria: ACMG Guidelines, 2015. Collection method: clinical testing. Allele origin: germline.
Comment: The HPS5 c.323G>T variant is predicted to result in the amino acid substitution p.Arg108Leu. To our knowledge, this variant has not been reported in the literature. This variant is reported in 0.13% of alleles in individuals of Ashkenazi Jewish descent in gnomAD, which may be too frequent to be a primary cause of disease. Although we suspect that this variant may be benign, at this time, the clinical significance of this variant is uncertain due to the absence of conclusive functional and genetic evidence.

Ambry Genetics
Classification: Uncertain significance for Inborn genetic diseases. Last evaluated: 2025-08-22. Review status: criteria provided, single submitter. Criteria: Ambry Variant Classification Scheme 2023. Collection method: clinical testing. Allele origin: germline.

Fulgent Genetics
Classification: Uncertain significance for Hermansky-Pudlak syndrome 5. Last evaluated: 2022-04-25. Review status: criteria provided, single submitter. Criteria: ACMG Guidelines, 2015. Collection method: clinical testing. Allele origin: unknown.

Labcorp Genetics (formerly Invitae), Labcorp
Classification: Uncertain significance. Last evaluated: 2022-04-24. Review status: criteria provided, single submitter. Criteria: Invitae Variant Classification Sherloc (09022015). Collection method: clinical testing. Allele origin: germline.
Comment: This sequence change replaces arginine, which is basic and polar, with leucine, which is neutral and non-polar, at codon 108 of the HPS5 protein (p.Arg108Leu). This variant is present in population databases (rs201664625, gnomAD 0.2%). This variant has not been reported in the literature in individuals affected with HPS5-related conditions. Algorithms developed to predict the effect of missense changes on protein structure and function are either unavailable or do not agree on the potential impact of this missense change (SIFT: "Deleterious"; PolyPhen-2: "Possibly Damaging"; Align-GVGD: "Class C0"). In summary, the available evidence is currently insufficient to determine the role of this variant in disease. Therefore, it has been classified as a Variant of Uncertain Significance.

NM_181507.2(HPS5):c.323G>T (p.Arg108Leu)

Genes: HPS5 (HPS5 biogenesis of lysosomal organelles complex 2 subunit 2; minus strand), LOC130005404 (ATAC-STARR-seq lymphoblastoid active region 4495; plus strand). Cytogenetic location: 11p15.1.
Variant type: single nucleotide variant.
Coding change: c.323G>T on transcript NM_181507.2 (MANE Select); coding-DNA position 323, G replaced by T.
Protein change: p.Arg108Leu; replaces arginine 108 with leucine.
Molecular consequence: missense variant. On other transcripts: 5 prime UTR variant (1).
Genome position (GRCh38, 1-based): chr11:18,310,895, C>A on the plus strand (G>T on the coding strand, the complement: HPS5 is on the minus strand). VCF-style: chr11-18310895-C-A. GRCh37 (hg19) VCF-style: chr11-18332442-C-A.
Other names: c.-20G>T (NM_007216.4, NM_181508.2); short protein forms R108L.
Identifiers: ClinVar variation 1413968 (VCV001413968.8), dbSNP rs201664625, ClinGen allele CA5910461.
Genomic context (GRCh38, chr11:18,310,895, plus strand): 5'-GCTGTGACTCTTCGGCCTTTGTGTTCTGAAGACACATACATTTGTTCCGGTTTCCCACGA[C>A]GCTCTTGATTTAATTCCCAAACAACCACAAGACCTTGACTGCAAGAATTGAGTCACAGAG-3'
Protein context (NP_852608.1, residues 98-118): LVVVWELNQE[Arg108Leu]RGKPEQMYVS